The following is an entry in ClinVar:

NM_033056.4(PCDH15):c.5710G>C (p.Glu1904Gln)

Gene: PCDH15 (protocadherin related 15; minus strand). Cytogenetic location: 10q21.1.
Variant type: single nucleotide variant.
Coding change: c.5710G>C on transcript NM_033056.4 (MANE Plus Clinical); coding-DNA position 5710, G replaced by C.
Protein change: p.Glu1904Gln; replaces glutamic acid 1904 with glutamine.
Molecular consequence: missense variant. On other transcripts: intron variant (8).
Genome position (GRCh38, 1-based): chr10:53,822,016, C>G on the plus strand (G>C on the coding strand, the complement: PCDH15 is on the minus strand). VCF-style: chr10-53822016-C-G. GRCh37 (hg19) VCF-style: chr10-55581776-C-G.
Other names: c.5731G>C, p.Glu1911Gln (NM_001142763.2); c.5716G>C, p.Glu1906Gln (NM_001142764.2); c.5503G>C, p.Glu1835Gln (NM_001142765.2); c.5701G>C, p.Glu1901Gln (NM_001142766.2); c.5590G>C, p.Glu1864Gln (NM_001142767.2); c.5650G>C, p.Glu1884Gln (NM_001142768.2); c.5641G>C, p.Glu1881Gln (NM_001142773.2); c.5644G>C, p.Glu1882Gln (NM_001354404.2); and 7 more; short protein forms E1835Q, E1884Q, E1901Q, E1864Q, E1881Q, E1904Q, E1906Q, E1882Q.
Identifiers: ClinVar variation 2044937 (VCV002044937.4), dbSNP rs2076301310, ClinGen allele CA376524387.

ClinVar aggregate classification (germline): Uncertain significance (1 of 4 stars; one submission).

Allele frequency attached by ClinVar (database versions not stated): gnomAD exomes below 0.00001; TOPMed below 0.00001.
gnomAD v4.1: 1 of 1,613,918 alleles (0.000062%); highest among the groups gnomAD compares: Non-Finnish European, 0.000085%; no homozygotes.

Submission:

Labcorp Genetics (formerly Invitae), Labcorp
Classification: Uncertain significance. Last evaluated: 2025-03-30. Review status: criteria provided, single submitter. Criteria: Invitae Variant Classification Sherloc (09022015). Collection method: clinical testing. Allele origin: germline.
Comment: This sequence change replaces glutamic acid, which is acidic and polar, with glutamine, which is neutral and polar, at codon 1904 of the PCDH15 protein (p.Glu1904Gln). This variant is not present in population databases (gnomAD no frequency). This variant has not been reported in the literature in individuals affected with PCDH15-related conditions. ClinVar contains an entry for this variant (Variation ID: 2044937). Invitae Evidence Modeling of protein sequence and biophysical properties (such as structural, functional, and spatial information, amino acid conservation, physicochemical variation, residue mobility, and thermodynamic stability) indicates that this missense variant is not expected to disrupt PCDH15 protein function with a negative predictive value of 95%. In summary, the available evidence is currently insufficient to determine the role of this variant in disease. Therefore, it has been classified as a Variant of Uncertain Significance.